The following is an entry in ClinVar:

NM_031942.5(CDCA7):c.1058G>A (p.Arg353His)

Gene: CDCA7 (cell division cycle associated 7; plus strand). Cytogenetic location: 2q31.1.
Variant type: single nucleotide variant.
Coding change: c.1058G>A on transcript NM_031942.5 (MANE Select); coding-DNA position 1058, G replaced by A.
Protein change: p.Arg353His; replaces arginine 353 with histidine.
Molecular consequence: missense variant.
Genome position (GRCh38, 1-based): chr2:173,366,305, G>A. VCF-style: chr2-173366305-G-A. GRCh37 (hg19) VCF-style: chr2-174231033-G-A.
Other names: c.821G>A, p.Arg274His (NM_145810.3); short protein forms R274H, R353H.
Identifiers: ClinVar variation 225532 (VCV000225532.3), dbSNP rs370384522, ClinGen allele CA1971436.

ClinVar aggregate classification (germline): Likely pathogenic. Review status: criteria provided, single submitter (1 of 4 stars). 2 submissions from 2 submitters: Likely pathogenic (1). 1 of the submissions does not count toward it. Last evaluated 2026-01-11.

Conditions:
Immunodeficiency-centromeric instability-facial anomalies syndrome 3 (ICF3). Identifiers: Orphanet 2268, MedGen C4310799, MONDO:0014828, OMIM 616910.

Allele frequency attached by ClinVar (database versions not stated): gnomAD exomes below 0.00001; ExAC 0.00001; TOPMed 0.00001; ESP Exome Variant Server 0.00008.
gnomAD v4.1: 5 of 1,612,828 alleles (0.00031%); highest among the groups gnomAD compares: South Asian, 0.0011%; no homozygotes.

Submissions (2):

Labcorp Genetics (formerly Invitae), Labcorp
Classification: Likely pathogenic. Last evaluated: 2026-01-11. Review status: criteria provided, single submitter. Criteria: Invitae Variant Classification Sherloc (09022015). Collection method: clinical testing. Allele origin: germline.
Comment: This sequence change replaces arginine, which is basic and polar, with histidine, which is basic and polar, at codon 353 of the CDCA7 protein (p.Arg353His). This variant is present in population databases (rs370384522, gnomAD 0.004%). This missense change has been observed in individual(s) with immunodeficiency-centromeric instability-facial anomalies syndrome (PMID: 26216346). It has also been observed to segregate with disease in related individuals. This variant is also known as p.Arg274His. ClinVar contains an entry for this variant (Variation ID: 225532). Invitae Evidence Modeling of protein sequence and biophysical properties (such as structural, functional, and spatial information, amino acid conservation, physicochemical variation, residue mobility, and thermodynamic stability) indicates that this missense variant is expected to disrupt CDCA7 protein function with a positive predictive value of 80%. This variant disrupts the p.Arg353 amino acid residue in CDCA7. Other variant(s) that disrupt this residue have been observed in individuals with CDCA7-related conditions (PMID: 26216346), which suggests that this may be a clinically significant amino acid residue. In summary, the currently available evidence indicates that the variant is pathogenic, but additional data are needed to prove that conclusively. Therefore, this variant has been classified as Likely Pathogenic.

OMIM
Classification: Pathogenic for IMMUNODEFICIENCY-CENTROMERIC INSTABILITY-FACIAL ANOMALIES SYNDROME 3. Last evaluated: 2011-06-10. Review status: flagged submission. Collection method: literature only. Allele origin: germline. Not counted in ClinVar's aggregate classification.
ClinVar note: Notes: Flagging candidate with reason of insufficient supporting evidence. This gene has been classified as having a limited gene-disease relationship by a ClinGen Expert Panel.
ClinVar note: Reason: P/LP classification for a variant in a gene with insufficient evidence for a gene-disease relationship

Literature cited by the submitters: PubMed 26216346 (cited by Labcorp Genetics (formerly Invitae), Labcorp and OMIM); PubMed 21596365 (cited by OMIM).